The following is an entry in ClinVar:

NM_004958.4(MTOR):c.3732A>T (p.Ala1244=)

Gene: MTOR (mechanistic target of rapamycin kinase; minus strand). Cytogenetic location: 1p36.22.
Variant type: single nucleotide variant.
Coding change: c.3732A>T on transcript NM_004958.4 (MANE Select); coding-DNA position 3732, A replaced by T.
Protein change: p.Ala1244=; no amino-acid change (alanine 1244 retained).
Molecular consequence: synonymous variant.
Genome position (GRCh38, 1-based): chr1:11,209,381, T>A on the plus strand (A>T on the coding strand, the complement: MTOR is on the minus strand). VCF-style: chr1-11209381-T-A. GRCh37 (hg19) VCF-style: chr1-11269438-T-A.
Other names: c.3732A>T, p.Ala1244= (NM_001386500.1); c.2484A>T, p.Ala828= (NM_001386501.1).
Identifiers: ClinVar variation 4085107 (VCV004085107.8).

ClinVar aggregate classification (germline): Likely benign (1 of 4 stars; one submission).

Submission:

CeGaT Center for Human Genetics Tuebingen
Classification: Likely benign. Last evaluated: 2025-07-01. Review status: criteria provided, single submitter. Criteria: CeGaT Center For Human Genetics Tuebingen Variant Classification Criteria Version 2. Collection method: clinical testing. Allele origin: germline. Affected: yes. Observed: 1 variant allele.
Comment: MTOR: PM2:Supporting, BP4, BP7